The following is an entry in ClinVar:

ClinVar aggregate classification (germline): Uncertain significance (1 of 4 stars; one submission).

Conditions:
Jeune thoracic dystrophy. Also called: Jeune syndrome; Infantile thoracic dystrophy; Thoracic pelvic phalangeal dystrophy; Jeune's syndrome; Chondroectodermal dysplasia-like syndrome; Short-rib thoracic dysplasia. Identifiers: Orphanet 474, MedGen C0265275, MONDO:0018770.

Allele frequency attached by ClinVar (database versions not stated): gnomAD exomes below 0.00001.
gnomAD v4.1: 1 of 1,613,034 alleles (0.000062%); highest among the groups gnomAD compares: African/African-American, 0.0013%; no homozygotes.

Submission:

Labcorp Genetics (formerly Invitae), Labcorp
Classification: Uncertain significance for Jeune thoracic dystrophy. Last evaluated: 2022-07-12. Review status: criteria provided, single submitter. Criteria: Invitae Variant Classification Sherloc (09022015). Collection method: clinical testing. Allele origin: germline.
Comment: Algorithms developed to predict the effect of missense changes on protein structure and function (SIFT, PolyPhen-2, Align-GVGD) all suggest that this variant is likely to be tolerated. In summary, the available evidence is currently insufficient to determine the role of this variant in disease. Therefore, it has been classified as a Variant of Uncertain Significance. This variant has not been reported in the literature in individuals affected with IFT80-related conditions. This sequence change replaces threonine, which is neutral and polar, with alanine, which is neutral and non-polar, at codon 48 of the IFT80 protein (p.Thr48Ala). This variant is not present in population databases (gnomAD no frequency). ClinVar contains an entry for this variant (Variation ID: 1462105).

NM_020800.3(IFT80):c.142A>G (p.Thr48Ala)

Genes: TRIM59-IFT80 (TRIM59-IFT80 readthrough (NMD candidate); minus strand), IFT80 (intraflagellar transport 80; minus strand). Cytogenetic location: 3q25.33.
Variant type: single nucleotide variant.
Coding change: c.142A>G on transcript NM_020800.3 (MANE Select); coding-DNA position 142, A replaced by G.
Protein change: p.Thr48Ala; replaces threonine 48 with alanine.
Molecular consequence: missense variant. On other transcripts: non-coding transcript variant (2), 5 prime UTR variant (2).
Genome position (GRCh38, 1-based): chr3:160,381,620, T>C on the plus strand (A>G on the coding strand, the complement: IFT80 is on the minus strand). VCF-style: chr3-160381620-T-C. GRCh37 (hg19) VCF-style: chr3-160099408-T-C.
Other names: c.-270A>G (NM_001190241.2, NM_001190242.2); short protein forms T48A.
Identifiers: ClinVar variation 1462105 (VCV001462105.6), dbSNP rs2108404384, ClinGen allele CA355194981.